The following is an entry in ClinVar:

NM_033026.6(PCLO):c.4429G>T (p.Asp1477Tyr)

Gene: PCLO (piccolo presynaptic cytomatrix protein; minus strand). Cytogenetic location: 7q21.11.
Variant type: single nucleotide variant.
Coding change: c.4429G>T on transcript NM_033026.6 (MANE Select); coding-DNA position 4429, G replaced by T.
Protein change: p.Asp1477Tyr; replaces aspartic acid 1477 with tyrosine.
Molecular consequence: missense variant.
Genome position (GRCh38, 1-based): chr7:82,956,524, C>A on the plus strand (G>T on the coding strand, the complement: PCLO is on the minus strand). VCF-style: chr7-82956524-C-A. GRCh37 (hg19) VCF-style: chr7-82585840-C-A.
Other names: c.4429G>T, p.Asp1477Tyr (NM_014510.3); short protein forms D1477Y.
Identifiers: ClinVar variation 4702386 (VCV004702386.1).

ClinVar aggregate classification (germline): Uncertain significance (1 of 4 stars; one submission).

Submission:

Labcorp Genetics (formerly Invitae), Labcorp
Classification: Uncertain significance. Last evaluated: 2025-02-23. Review status: criteria provided, single submitter. Criteria: Invitae Variant Classification Sherloc (09022015). Collection method: clinical testing. Allele origin: germline.
Comment: This sequence change replaces aspartic acid, which is acidic and polar, with tyrosine, which is neutral and polar, at codon 1477 of the PCLO protein (p.Asp1477Tyr). This variant is not present in population databases (gnomAD no frequency). This variant has not been reported in the literature in individuals affected with PCLO-related conditions. Experimental studies and prediction algorithms are not available or were not evaluated, and the functional significance of this variant is currently unknown. In summary, the available evidence is currently insufficient to determine the role of this variant in disease. Therefore, it has been classified as a Variant of Uncertain Significance.